The following is an entry in ClinVar:

ClinVar aggregate classification (germline): Pathogenic (1 of 4 stars; one submission).

Conditions:
Telangiectasia, hereditary hemorrhagic, type 1 (HHT1). Also called: Osler Weber Rendu syndrome type 1; ENG-Related Hereditary Hemorrhagic Telangiectasia. Identifiers: Orphanet 774, MedGen C4551861, MONDO:0008535, OMIM 187300. Disease mechanism: loss of function.

gnomAD v4.1: 1 of 1,614,056 alleles (0.000062%); no homozygotes.

Submission:

NIHR Bioresource Rare Diseases, University of Cambridge
Classification: Pathogenic for Telangiectasia, hereditary hemorrhagic, type 1. Last evaluated: 2018-01-01. Review status: criteria provided, single submitter. Criteria: ACMG Guidelines, 2015. Collection method: research. Allele origin: unknown. Affected: yes. Observed: 1 variant allele.
Comment: PVS1+PM2+PP4

Literature cited by the submitters: PubMed 32573726.

NM_001114753.3(ENG):c.208G>T (p.Glu70Ter)

Gene: ENG (endoglin; minus strand). Cytogenetic location: 9q34.11.
Variant type: single nucleotide variant.
Coding change: c.208G>T on transcript NM_001114753.3 (MANE Select); coding-DNA position 208, G replaced by T.
Protein change: p.Glu70Ter; replaces glutamic acid 70 with a stop codon.
Molecular consequence: nonsense. On other transcripts: 5 prime UTR variant (1).
Genome position (GRCh38, 1-based): chr9:127,843,105, C>A on the plus strand (G>T on the coding strand, the complement: ENG is on the minus strand). VCF-style: chr9-127843105-C-A. GRCh37 (hg19) VCF-style: chr9-130605384-C-A.
Other names: c.208G>T, p.Glu70Ter (NM_000118.4, NM_001406715.1); c.-339G>T (NM_001278138.2); short protein forms E70*.
Identifiers: ClinVar variation 982471 (VCV000982471.3), dbSNP rs1179814153, ClinGen allele CA374988897.